The following is an entry in ClinVar:

ClinVar aggregate classification (germline): Uncertain significance (1 of 4 stars; one submission).

Conditions:
Intellectual developmental disorder, X-linked, syndromic, Raymond type. Also called: Syndromic X-linked intellectual disability Raymond type. Identifiers: MedGen C3275406, MONDO:0010427, OMIM 300799.

Submission:

Labcorp Genetics (formerly Invitae), Labcorp
Classification: Uncertain significance for Intellectual developmental disorder, X-linked, syndromic, Raymond type. Last evaluated: 2022-08-09. Review status: criteria provided, single submitter. Criteria: Invitae Variant Classification Sherloc (09022015). Collection method: clinical testing. Allele origin: germline.
Comment: A copy number gain of the genomic region encompassing the full coding sequence of the ZDHHC9 gene has been identified. The boundaries of this event are unknown as they extend beyond the assayed region for this gene and therefore may encompass additional genes. As the precise location of this event is unknown, it may be in tandem or it may be located elsewhere in the genome. Isolated whole-gene copy number gains of ZDHHC9 have not been reported in the literature. However, larger copy number events that include this gene have been reported (PMID: 22796527). In summary, the available evidence is currently insufficient to determine the role of this variant in disease. Therefore, it has been classified as a Variant of Uncertain Significance.

Literature cited by the submitters: PubMed 22796527.

NC_000023.10:g.(?_128674397)_(128975941_?)dup

Genes: APLN (apelin; minus strand), OCRL (OCRL inositol polyphosphate-5-phosphatase; plus strand), SASH3 (SAM and SH3 domain containing 3; plus strand), XPNPEP2 (X-prolyl aminopeptidase 2; plus strand), ZDHHC9 (zDHHC palmitoyltransferase 9; minus strand). Cytogenetic location: Xq25-26.1.
Variant type: Duplication.
Identifiers: ClinVar variation 831120 (VCV000831120.2).